The following is an entry in ClinVar:

NM_003238.6(TGFB2):c.259G>A (p.Ala87Thr)

Gene: TGFB2 (transforming growth factor beta 2; plus strand). Cytogenetic location: 1q41.
Variant type: single nucleotide variant.
Coding change: c.259G>A on transcript NM_003238.6 (MANE Select); coding-DNA position 259, G replaced by A.
Protein change: p.Ala87Thr; replaces alanine 87 with threonine.
Molecular consequence: missense variant. On other transcripts: non-coding transcript variant (2).
Genome position (GRCh38, 1-based): chr1:218,346,960, G>A. VCF-style: chr1-218346960-G-A. GRCh37 (hg19) VCF-style: chr1-218520302-G-A.
Other names: c.259G>A (NM_003238.3); c.259G>A, p.Ala87Thr (NM_001135599.4); short protein forms A87T.
Identifiers: ClinVar variation 5030814 (VCV005030814.1), dbSNP rs1558220233.

ClinVar aggregate classification (germline): Uncertain significance (1 of 4 stars; one submission).

Conditions:
Familial thoracic aortic aneurysm and aortic dissection (TAAD). Also called: Thoracic aortic aneurysms and dissections. Identifiers: Orphanet 91387, MedGen C4707243, MONDO:0019625.

Allele frequency attached by ClinVar (database versions not stated): gnomAD exomes below 0.00001.
gnomAD v4.1: 2 of 1,613,944 alleles (0.00012%); no homozygotes.

Submission:

Ambry Genetics
Classification: Uncertain significance for Familial thoracic aortic aneurysm and aortic dissection. Last evaluated: 2026-08-31. Review status: criteria provided, single submitter. Criteria: Ambry Variant Classification Scheme 2023. Collection method: clinical testing. Allele origin: germline.
Comment: The p.A87T variant (also known as c.259G>A), located in coding exon 1 of the TGFB2 gene, results from a G to A substitution at nucleotide position 259. The alanine at codon 87 is replaced by threonine, an amino acid with similar properties. This amino acid position is conserved. In addition, the in silico prediction for this alteration is inconclusive. Based on the available evidence, the clinical significance of this variant remains unclear.